The following is an entry in ClinVar:

ClinVar aggregate classification (germline): Likely pathogenic (1 of 4 stars; one submission).

Submission:

Labcorp Genetics (formerly Invitae), Labcorp
Classification: Likely pathogenic. Last evaluated: 2023-04-03. Review status: criteria provided, single submitter. Criteria: Invitae Variant Classification Sherloc (09022015). Collection method: clinical testing. Allele origin: unknown.
Comment: In summary, the currently available evidence indicates that the variant is pathogenic, but additional data are needed to prove that conclusively. Therefore, this variant has been classified as Likely Pathogenic. This variant has not been reported in the literature in individuals affected with NDUFAF2-related conditions. This variant results in a copy number gain of the genomic region encompassing exon(s) 2-3 of the NDUFAF2 gene. While the exact position of this variant cannot be determined from the data, sub-genic copy number gains are generally in tandem (PMID: 25640679). This variant is predicted to be out-of-frame, and may result in an absent or disrupted protein product. Loss-of-function variants in NDUFAF2 are known to be pathogenic (PMID: 18180188).

Literature cited by the submitters: PubMed 25640679; PubMed 18180188.

NC_000005.9:g.(?_60368932)_(60394879_?)dup

Gene: NDUFAF2 (NADH:ubiquinone oxidoreductase complex assembly factor 2; plus strand). Cytogenetic location: 5q12.1.
Variant type: Duplication.
Identifiers: ClinVar variation 3246572 (VCV003246572.1).